The following is an entry in ClinVar:

ClinVar aggregate classification (germline): Conflicting classifications of pathogenicity. Review status: criteria provided, conflicting classifications (1 of 4 stars). 7 submissions from 7 submitters: Uncertain significance (1); Benign (1); Likely benign (3). 2 of the submissions do not count toward it. Last evaluated 2026-02-04.

Conditions:
SGSH-related disorder. Also called: SGSH-related condition.
Mucopolysaccharidosis, MPS-III-A (MPS3A). Also called: SANFILIPPO SYNDROME A; SULFAMIDASE DEFICIENCY; MPS III A; mucopolysaccharidosis type 3A; HEPARAN SULFATE SULFATASE DEFICIENCY; MPS IIIA (Sanfilippo Syndrome Type A). Identifiers: Orphanet 581, Orphanet 79269, MedGen C0086647, MONDO:0009655, OMIM 252900.

Allele frequency attached by ClinVar (database versions not stated): ExAC 0.00057; gnomAD 0.00172 and 0.00186; 1000 Genomes Project 30x 0.00203; gnomAD exomes 0.00018 and 0.00044; ESP Exome Variant Server 0.00161; TOPMed 0.00216; 1000 Genomes Project 0.00240.
gnomAD v4.1: 536 of 1,614,036 alleles (0.033%); highest among the groups gnomAD compares: African/African-American, 0.65%; 1 homozygote.

Submissions (7):

Labcorp Genetics (formerly Invitae), Labcorp
Classification: Benign for Mucopolysaccharidosis, MPS-III-A. Last evaluated: 2026-02-04. Review status: criteria provided, single submitter. Criteria: Invitae Variant Classification Sherloc (09022015). Collection method: clinical testing. Allele origin: germline.

Blueprint Genetics
Classification: Likely benign. Last evaluated: 2024-10-31. Review status: criteria provided, single submitter. Criteria: ACMG Guidelines, 2015. Collection method: clinical testing. Allele origin: germline.

Mayo Clinic Laboratories, Mayo Clinic
Classification: Likely benign. Last evaluated: 2022-02-01. Review status: criteria provided, single submitter. Criteria: ACMG Guidelines, 2015. Collection method: clinical testing. Allele origin: germline. Observed: 2 variant alleles.
Comment: BS1, BP4

Genome-Nilou Lab
Classification: Likely benign for Mucopolysaccharidosis, MPS-III-A. Last evaluated: 2021-11-07. Review status: criteria provided, single submitter. Criteria: ACMG Guidelines, 2015. Collection method: clinical testing. Allele origin: germline. Affected: no.

Center for Pediatric Genomic Medicine, Children's Mercy Hospital and Clinics
Classification: Uncertain significance. Last evaluated: 2015-08-26. Review status: criteria provided, single submitter. Criteria: ACMG Guidelines, 2015. Collection method: clinical testing. Allele origin: germline.
ClinVar note: Converted during submission from Uncertain Significance to Uncertain significance.

PreventionGenetics, part of Exact Sciences
Classification: Likely benign for SGSH-related condition. Last evaluated: 2019-12-20. Review status: no assertion criteria provided. Collection method: clinical testing. Allele origin: germline. Not counted in ClinVar's aggregate classification.
Comment: This variant is classified as likely benign based on ACMG/AMP sequence variant interpretation guidelines (Richards et al. 2015 PMID: 25741868, with internal and published modifications).

Natera, Inc.
Classification: Benign for Mucopolysaccharidosis type IIIA. Last evaluated: 2019-11-11. Review status: no assertion criteria provided. Collection method: clinical testing. Allele origin: germline. Not counted in ClinVar's aggregate classification.

NM_000199.5(SGSH):c.1283G>A (p.Arg428His)

Gene: SGSH (N-sulfoglucosamine sulfohydrolase; minus strand). Cytogenetic location: 17q25.3.
Variant type: single nucleotide variant.
Coding change: c.1283G>A on transcript NM_000199.5 (MANE Select); coding-DNA position 1283, G replaced by A.
Protein change: p.Arg428His; replaces arginine 428 with histidine.
Molecular consequence: missense variant. On other transcripts: 3 prime UTR variant (2), non-coding transcript variant (1).
Genome position (GRCh38, 1-based): chr17:80,210,678, C>T on the plus strand (G>A on the coding strand, the complement: SGSH is on the minus strand). VCF-style: chr17-80210678-C-T. GRCh37 (hg19) VCF-style: chr17-78184477-C-T.
Other names: p.Arg428His; c.*370G>A (NM_001352921.3); c.*333G>A (NM_001352922.2); short protein forms R428H.
Identifiers: ClinVar variation 235638 (VCV000235638.21), dbSNP rs144862290, ClinGen allele CA8817627.
Genomic context (GRCh38, chr17:80,210,678, plus strand): 5'-GTCTCGTGGGGGTCCCGGCTCCGGTCGTAGAGCTCCCAGCGCGCCCGGTAGTAGTAATGA[C>T]GGAGGTCCTTGTACCAGCCCGTGGGCTGACCAGCTGTGGTGCGGTTCAGGAGGTCCTGGA-3'
Protein context (NP_000190.1, residues 418-438): GQPTGWYKDL[Arg428His]HYYYRARWEL